The following is an entry in ClinVar:

ClinVar aggregate classification (germline): Conflicting classifications of pathogenicity. Review status: criteria provided, conflicting classifications (1 of 4 stars). 3 submissions from 3 submitters: Likely pathogenic (2); Uncertain significance (1). Last evaluated 2025-09-12.

Conditions:
Cardiovascular phenotype. Identifiers: MedGen CN230736.
Hereditary cancer-predisposing syndrome. Also called: Hereditary Cancer Syndrome; Hereditary neoplastic syndrome; Neoplastic Syndromes, Hereditary; Tumor predisposition. Identifiers: Orphanet 140162, MedGen C0027672, MeSH D009386, MONDO:0015356.
LZTR1-related disorder. Also called: LZTR1-related disorders; LZTR1-related condition.

Submissions (3):

GeneDx
Classification: Likely pathogenic. Last evaluated: 2025-09-12. Review status: criteria provided, single submitter. Criteria: GeneDx Variant Classification Process June 2021. Collection method: clinical testing. Allele origin: germline.
Comment: Not observed at significant frequency in large population cohorts (gnomAD); In silico analysis supports that this missense variant has a deleterious effect on protein structure/function; Has not been previously published as pathogenic or benign to our knowledge

Ambry Genetics
Classification: Uncertain significance for Cardiovascular phenotype; Hereditary cancer-predisposing syndrome. Last evaluated: 2022-08-09. Review status: criteria provided, single submitter. Criteria: Ambry Variant Classification Scheme 2023. Collection method: clinical testing. Allele origin: germline.
Comment: The p.Y285H variant (also known as c.853T>C), located in coding exon 9 of the LZTR1 gene, results from a T to C substitution at nucleotide position 853. The tyrosine at codon 285 is replaced by histidine, an amino acid with similar properties. This amino acid position is conserved. In addition, the in silico prediction for this alteration is inconclusive. Since supporting evidence is limited at this time, the clinical significance of this alteration remains unclear.

Blueprint Genetics
Classification: Likely pathogenic for LZTR1-related disorders. Last evaluated: 2021-01-07. Review status: criteria provided, single submitter. Criteria: ACMG Guidelines, 2015. Collection method: clinical testing. Allele origin: germline. Affected: yes. Observed: 3 variant alleles.

NM_006767.4(LZTR1):c.853T>C (p.Tyr285His)

Gene: LZTR1 (leucine zipper like post translational regulator 1; plus strand). Cytogenetic location: 22q11.21.
Variant type: single nucleotide variant.
Coding change: c.853T>C on transcript NM_006767.4 (MANE Select); coding-DNA position 853, T replaced by C.
Protein change: p.Tyr285His; replaces tyrosine 285 with histidine.
Molecular consequence: missense variant.
Genome position (GRCh38, 1-based): chr22:20,991,689, T>C. VCF-style: chr22-20991689-T-C. GRCh37 (hg19) VCF-style: chr22-21345978-T-C.
Other names: short protein forms Y285H.
Identifiers: ClinVar variation 1763788 (VCV001763788.4), dbSNP rs2518617088, ClinGen allele CA410781251.